The following is an entry in ClinVar:

ClinVar aggregate classification (germline): Benign/Likely benign. Review status: criteria provided, multiple submitters, no conflicts (2 of 4 stars). 4 submissions from 4 submitters: Benign (2); Likely benign (1). 1 of the submissions does not count toward it. Last evaluated 2025-12-23.

Conditions:
EPRS1-related disorder. Also called: EPRS1-related condition.

Allele frequency attached by ClinVar (database versions not stated): gnomAD exomes 0.00032 and 0.00088; ExAC 0.00104; 1000 Genomes Project 0.00319; 1000 Genomes Project 30x 0.00344; gnomAD 0.00369 and 0.00394; TOPMed 0.00434; ESP Exome Variant Server 0.00469.
gnomAD v4.1: 1,029 of 1,613,622 alleles (0.064%); highest among the groups gnomAD compares: African/African-American, 1.3%; 7 homozygotes.

Submissions (4):

Labcorp Genetics (formerly Invitae), Labcorp
Classification: Benign. Last evaluated: 2025-12-23. Review status: criteria provided, single submitter. Criteria: Invitae Variant Classification Sherloc (09022015). Collection method: clinical testing. Allele origin: germline.

CeGaT Center for Human Genetics Tuebingen
Classification: Likely benign. Last evaluated: 2025-10-01. Review status: criteria provided, single submitter. Criteria: CeGaT Center For Human Genetics Tuebingen Variant Classification Criteria Version 2. Collection method: clinical testing. Allele origin: germline. Affected: yes. Observed: 1 variant allele.
Comment: EPRS1: BS1

Breakthrough Genomics
Classification: Benign. Review status: criteria provided, single submitter. Criteria: ACMG Guidelines, 2015. Collection method: not provided. Allele origin: germline. Inheritance: Autosomal recessive inheritance. Affected: yes.

PreventionGenetics, part of Exact Sciences
Classification: Likely benign for EPRS1-related condition. Last evaluated: 2019-03-25. Review status: no assertion criteria provided. Collection method: clinical testing. Allele origin: germline. Not counted in ClinVar's aggregate classification.
Comment: This variant is classified as likely benign based on ACMG/AMP sequence variant interpretation guidelines (Richards et al. 2015 PMID: 25741868, with internal and published modifications).

NM_004446.3(EPRS1):c.3785C>T (p.Pro1262Leu)

Gene: EPRS1 (glutamyl-prolyl-tRNA synthetase 1; minus strand). Cytogenetic location: 1q41.
Variant type: single nucleotide variant.
Coding change: c.3785C>T on transcript NM_004446.3 (MANE Select); coding-DNA position 3785, C replaced by T.
Protein change: p.Pro1262Leu; replaces proline 1262 with leucine.
Molecular consequence: missense variant.
Genome position (GRCh38, 1-based): chr1:219,979,542, G>A on the plus strand (C>T on the coding strand, the complement: EPRS1 is on the minus strand). VCF-style: chr1-219979542-G-A. GRCh37 (hg19) VCF-style: chr1-220152884-G-A.
Other names: short protein forms P1262L.
Identifiers: ClinVar variation 716061 (VCV000716061.20), dbSNP rs115571989, ClinGen allele CA1399593.
Genomic context (GRCh38, chr1:219,979,542, plus strand): 5'-ACACCAATAGTTCGAGTTGTCAGGCCCCAGGAGTTTTGATAGGCAAATTGCTTCTCTCCT[G>A]GTATCTTTGGATCTTCAAAAACGATTTCAAACATTTTGGAAAAATTCTGCCCTAAATGAT-3'
Protein context (NP_004437.2, residues 1252-1272): FEIVFEDPKI[Pro1262Leu]GEKQFAYQNS